The following is an entry in ClinVar:

ClinVar aggregate classification (germline): Uncertain significance (1 of 4 stars; one submission).

Conditions:
Joubert syndrome. Also called: CEREBELLOPARENCHYMAL DISORDER IV; JOUBERT-BOLTSHAUSER SYNDROME; Familial aplasia of the vermis. Identifiers: Orphanet 475, MedGen C5979921, MONDO:0018772.
Meckel-Gruber syndrome. Also called: DYSENCEPHALIA SPLANCHNOCYSTICA; GRUBER SYNDROME; Dysencephalia splachnocystica. Identifiers: Orphanet 564, MedGen C0265215, MONDO:0018921.

Allele frequency attached by ClinVar (database versions not stated): ExAC 0.00002; gnomAD exomes below 0.00001.
gnomAD v4.1: 3 of 1,614,128 alleles (0.00019%); highest among the groups gnomAD compares: Admixed American, 0.0033%; no homozygotes.

Submission:

Labcorp Genetics (formerly Invitae), Labcorp
Classification: Uncertain significance for Joubert syndrome; Meckel-Gruber syndrome. Last evaluated: 2022-04-08. Review status: criteria provided, single submitter. Criteria: Invitae Variant Classification Sherloc (09022015). Collection method: clinical testing. Allele origin: germline.
Comment: In summary, the available evidence is currently insufficient to determine the role of this variant in disease. Therefore, it has been classified as a Variant of Uncertain Significance. Algorithms developed to predict the effect of missense changes on protein structure and function output the following: SIFT: "Tolerated"; PolyPhen-2: "Benign"; Align-GVGD: "Class C0". The isoleucine amino acid residue is found in multiple mammalian species, which suggests that this missense change does not adversely affect protein function. This sequence change replaces valine, which is neutral and non-polar, with isoleucine, which is neutral and non-polar, at codon 456 of the TCTN2 protein (p.Val456Ile). This variant is present in population databases (rs747746554, gnomAD 0.003%). This variant has not been reported in the literature in individuals affected with TCTN2-related conditions.

NM_024809.5(TCTN2):c.1366G>A (p.Val456Ile)

Gene: TCTN2 (tectonic family member 2; plus strand). Cytogenetic location: 12q24.31.
Variant type: single nucleotide variant.
Coding change: c.1366G>A on transcript NM_024809.5 (MANE Select); coding-DNA position 1366, G replaced by A.
Protein change: p.Val456Ile; replaces valine 456 with isoleucine.
Molecular consequence: missense variant.
Genome position (GRCh38, 1-based): chr12:123,696,468, G>A. VCF-style: chr12-123696468-G-A. GRCh37 (hg19) VCF-style: chr12-124181015-G-A.
Other names: c.1363G>A, p.Val455Ile (NM_001143850.3); c.1231G>A, p.Val411Ile (NM_001410989.1); short protein forms V411I, V455I, V456I.
Identifiers: ClinVar variation 2123253 (VCV002123253.4), dbSNP rs747746554, ClinGen allele CA6861186.